The following is an entry in ClinVar:

ClinVar aggregate classification (germline): Conflicting classifications of pathogenicity. Review status: criteria provided, conflicting classifications (1 of 4 stars). 3 submissions from 3 submitters: Uncertain significance (2); Likely benign (1). Last evaluated 2025-08-11.

Conditions:
Supravalvar aortic stenosis (SVAS). Also called: Supravalvar aortic stenosis, Eisenberg type. Identifiers: Orphanet 3193, MedGen C0003499, MONDO:0008504, OMIM 185500, HP:0004381.
Inborn genetic diseases. Identifiers: MedGen C0950123, MeSH D030342.

Allele frequency attached by ClinVar (database versions not stated): gnomAD 0.00003; TOPMed 0.00003; ExAC 0.00004.
gnomAD v4.1: 37 of 1,613,984 alleles (0.0023%); highest among the groups gnomAD compares: African/African-American, 0.0067%; no homozygotes.

Submissions (3):

Labcorp Genetics (formerly Invitae), Labcorp
Classification: Uncertain significance for Supravalvar aortic stenosis. Last evaluated: 2025-08-11. Review status: criteria provided, single submitter. Criteria: Invitae Variant Classification Sherloc (09022015). Collection method: clinical testing. Allele origin: germline.
Comment: This sequence change replaces arginine, which is basic and polar, with glutamine, which is neutral and polar, at codon 783 of the ELN protein (p.Arg783Gln). This variant is present in population databases (rs782197482, gnomAD 0.01%). This variant has not been reported in the literature in individuals affected with ELN-related conditions. ClinVar contains an entry for this variant (Variation ID: 2158396). Invitae Evidence Modeling of protein sequence and biophysical properties (such as structural, functional, and spatial information, amino acid conservation, physicochemical variation, residue mobility, and thermodynamic stability) indicates that this missense variant is not expected to disrupt ELN protein function with a negative predictive value of 80%. In summary, the available evidence is currently insufficient to determine the role of this variant in disease. Therefore, it has been classified as a Variant of Uncertain Significance.

Blueprint Genetics
Classification: Likely benign. Last evaluated: 2023-10-18. Review status: criteria provided, single submitter. Criteria: ACMG Guidelines, 2015. Collection method: clinical testing. Allele origin: germline.

Ambry Genetics
Classification: Uncertain significance for Inborn genetic diseases. Last evaluated: 2021-08-17. Review status: criteria provided, single submitter. Criteria: Ambry Variant Classification Scheme 2023. Collection method: clinical testing. Allele origin: germline.

NM_000501.4(ELN):c.2162G>A (p.Arg721Gln)

Gene: ELN (elastin; plus strand). Cytogenetic location: 7q11.23.
Variant type: single nucleotide variant.
Coding change: c.2162G>A on transcript NM_000501.4 (MANE Select); coding-DNA position 2162, G replaced by A.
Protein change: p.Arg721Gln; replaces arginine 721 with glutamine.
Molecular consequence: missense variant.
Genome position (GRCh38, 1-based): chr7:74,068,687, G>A. VCF-style: chr7-74068687-G-A. GRCh37 (hg19) VCF-style: chr7-73483017-G-A.
Other names: c.2021G>A, p.Arg674Gln (NM_001081752.3); c.2066G>A, p.Arg689Gln (NM_001081753.3); c.2123G>A, p.Arg708Gln (NM_001081754.3); c.2105G>A, p.Arg702Gln (NM_001081755.3); c.2108G>A, p.Arg703Gln (NM_001278912.2); c.1919G>A, p.Arg640Gln (NM_001278913.2); c.2090G>A, p.Arg697Gln (NM_001278914.2); c.2180G>A, p.Arg727Gln (NM_001278915.2); and 5 more; short protein forms R697Q, R708Q, R640Q, R702Q, R614Q, R674Q, R689Q, R703Q.
Identifiers: ClinVar variation 2158396 (VCV002158396.6), dbSNP rs782197482, ClinGen allele CA4293435.
Genomic context (GRCh38, chr7:74,068,687, plus strand): 5'-TCACAGTGATGTGCACCTCCTCCCGTCCAGGTGGGGCCTGCCTGGGGAAAGCTTGTGGCC[G>A]GAAGAGAAAATGAGCTTCCTAGGACCCCTGACTCACGACCTCATCAACGTTGGTGCTACT-3'
Protein context (NP_000492.2, residues 711-724): GGACLGKACG[Arg721Gln]KRK